The following is an entry in ClinVar:

ClinVar aggregate classification (germline): Likely benign. Review status: criteria provided, multiple submitters, no conflicts (2 of 4 stars). 2 submissions from 2 submitters: Likely benign (2). Last evaluated 2026-03-01.

Conditions:
Dystonia 12 (DYT12). Also called: DYT-ATP1A3; Rapid-Onset Dystonia-Parkinsonism (RDP). Identifiers: Orphanet 71517, MedGen C1868681, MONDO:0007496, OMIM 128235.

Allele frequency attached by ClinVar (database versions not stated): gnomAD exomes below 0.00001; TOPMed below 0.00001; ExAC 0.00001; gnomAD 0.00001; 1000 Genomes Project 30x 0.00016; 1000 Genomes Project 0.00020.
gnomAD v4.1: 8 of 1,614,240 alleles (0.0005%); highest among the groups gnomAD compares: East Asian, 0.0022%; no homozygotes.

Submissions (2):

CeGaT Center for Human Genetics Tuebingen
Classification: Likely benign. Last evaluated: 2026-03-01. Review status: criteria provided, single submitter. Criteria: CeGaT Center For Human Genetics Tuebingen Variant Classification Criteria Version 2. Collection method: clinical testing. Allele origin: germline. Affected: yes. Observed: 2 variant alleles.
Comment: ATP1A3: BP4, BP7

Labcorp Genetics (formerly Invitae), Labcorp
Classification: Likely benign for Dystonia 12. Last evaluated: 2022-10-07. Review status: criteria provided, single submitter. Criteria: Invitae Variant Classification Sherloc (09022015). Collection method: clinical testing. Allele origin: germline.

NM_152296.5(ATP1A3):c.1206C>T (p.Asp402=)

Gene: ATP1A3 (ATPase Na+/K+ transporting subunit alpha 3; minus strand). Cytogenetic location: 19q13.2.
Variant type: single nucleotide variant.
Coding change: c.1206C>T on transcript NM_152296.5 (MANE Select); coding-DNA position 1206, C replaced by T.
Protein change: p.Asp402=; no amino-acid change (aspartic acid 402 retained).
Molecular consequence: synonymous variant.
Genome position (GRCh38, 1-based): chr19:41,981,818, G>A on the plus strand (C>T on the coding strand, the complement: ATP1A3 is on the minus strand). VCF-style: chr19-41981818-G-A. GRCh37 (hg19) VCF-style: chr19-42485970-G-A.
Other names: c.1239C>T, p.Asp413= (NM_001256213.2); c.1245C>T, p.Asp415= (NM_001256214.2).
Identifiers: ClinVar variation 1675744 (VCV001675744.38), dbSNP rs572012327, ClinGen allele CA9467692.